The following is an entry in ClinVar:

ClinVar aggregate classification (germline): Uncertain significance (1 of 4 stars; one submission).

Allele frequency attached by ClinVar (database versions not stated): ExAC 0.00002; gnomAD exomes 0.00002; ESP Exome Variant Server 0.00008.
gnomAD v4.1: 29 of 1,612,044 alleles (0.0018%); highest among the groups gnomAD compares: Admixed American, 0.01%; no homozygotes.

Submission:

Labcorp Genetics (formerly Invitae), Labcorp
Classification: Uncertain significance. Last evaluated: 2024-09-28. Review status: criteria provided, single submitter. Criteria: Invitae Variant Classification Sherloc (09022015). Collection method: clinical testing. Allele origin: germline.
Comment: This sequence change replaces cysteine, which is neutral and slightly polar, with glycine, which is neutral and non-polar, at codon 63 of the DSTYK protein (p.Cys63Gly). This variant is present in population databases (rs143001609, gnomAD 0.0009%). This variant has not been reported in the literature in individuals affected with DSTYK-related conditions. ClinVar contains an entry for this variant (Variation ID: 2142240). An algorithm developed to predict the effect of missense changes on protein structure and function (PolyPhen-2) suggests that this variant is likely to be tolerated. In summary, the available evidence is currently insufficient to determine the role of this variant in disease. Therefore, it has been classified as a Variant of Uncertain Significance.

NM_015375.3(DSTYK):c.187T>G (p.Cys63Gly)

Gene: DSTYK (dual serine/threonine and tyrosine protein kinase; minus strand). Cytogenetic location: 1q32.1.
Variant type: single nucleotide variant.
Coding change: c.187T>G on transcript NM_015375.3 (MANE Select); coding-DNA position 187, T replaced by G.
Protein change: p.Cys63Gly; replaces cysteine 63 with glycine.
Molecular consequence: missense variant.
Genome position (GRCh38, 1-based): chr1:205,211,349, A>C on the plus strand (T>G on the coding strand, the complement: DSTYK is on the minus strand). VCF-style: chr1-205211349-A-C. GRCh37 (hg19) VCF-style: chr1-205180477-A-C.
Other names: c.187T>G, p.Cys63Gly (NM_199462.3); short protein forms C63G.
Identifiers: ClinVar variation 2142240 (VCV002142240.4), dbSNP rs143001609, ClinGen allele CA1353108.